The following is an entry in ClinVar:

NM_000059.4(BRCA2):c.5576_5579del (p.Ile1859fs)

Gene: BRCA2 (BRCA2 DNA repair associated; plus strand). Cytogenetic location: 13q13.1.
Variant type: Deletion.
Coding change: c.5576_5579del on transcript NM_000059.4 (MANE Select); coding-DNA positions 5576 to 5579, 4 bases deleted (TTAA; older notation c.5576_5579delTTAA).
Protein change: p.Ile1859fs; shifts the reading frame from isoleucine 1859.
Molecular consequence: frameshift variant.
Genome position (GRCh38, 1-based): chr13:32,339,931-32,339,934, TTAA deleted; deleting any 4 consecutive bases within chr13:32,339,929-32,339,934 gives the same sequence; the c. name uses the placement nearest the transcript's 3' end. VCF-style (leftmost placement, unchanged base first): chr13-32339928-CAATT-C. GRCh37 (hg19) VCF-style: chr13-32914065-CAATT-C.
Other names: 5803del4; 5804_5807delTTAA; 5804del4; c.5574_5577delAATT (NM_000059.3); c.5574_5577del (NM_000059.3); short protein forms I1859fs.
Identifiers: ClinVar variation 37975 (VCV000037975.105), dbSNP rs80359520, ClinGen allele CA022586.
Genomic context (GRCh38, chr13:32,339,928, plus strand): 5'-AGGTAGGGCCACCTGCATTTAGGATAGCCAGTGGTAAAATCGTTTGTGTTTCACATGAAA[CAATT>C]AAAAAAGTGAAAGACATATTTACAGACAGTTTCAGTAAAGTAATTAAGGAAAACAACGAG-3'

ClinVar aggregate classification (germline): Pathogenic. Review status: reviewed by expert panel (3 of 4 stars). 47 submissions from 47 submitters: Pathogenic (1). 46 of the submissions do not count toward it. Last evaluated 2016-04-22.

Conditions:
Hereditary breast ovarian cancer syndrome. Also called: Breast and ovarian cancer; Hereditary breast and ovarian cancer; Hereditary breast and ovarian cancer syndrome (HBOC); Hereditary breast and ovarian cancer syndrome; BRCA1- and BRCA2-Associated Hereditary Breast and Ovarian Cancer; Hereditary breast and/or ovarian cancer syndrome. Identifiers: Orphanet 145, MedGen C0677776, MeSH D061325, MONDO:0003582. Disease mechanism: loss of function.
Fanconi anemia complementation group D1. Also called: BRCA2-Related Fanconi Anemia. Identifiers: Orphanet 319462, MedGen C1838457, MONDO:0011584, OMIM 605724.
Inherited breast cancer and ovarian cancer.
BRCA2-related cancer predisposition. Identifiers: MedGen CN377758, MONDO:0700269.
Pancreatic cancer, susceptibility to, 2. Identifiers: Orphanet 1333, MedGen C3150546, MONDO:0013235, OMIM 613347.
Glioma susceptibility 3 (GLM3). Also called: Glioblastoma 3. Identifiers: Orphanet 182067, Orphanet 360, MedGen C2751641, MONDO:0013093, OMIM 613029.
Familial prostate cancer. Also called: Hereditary Prostate Cancer. Identifiers: MedGen C2931456, MONDO:0700275, OMIM 176807.
Breast-ovarian cancer, familial, susceptibility to, 2 (BROVCA2). Also called: BRCA2 Hereditary Breast and Ovarian Cancer. Identifiers: Orphanet 145, MedGen C2675520, MONDO:0012933, OMIM 612555. Disease mechanism: loss of function.
Medulloblastoma (MDB). Also called: Medulloblastoma, somatic; MEDULLOBLASTOMA PREDISPOSITION SYNDROME. Identifiers: Orphanet 616, MedGen C0025149, MeSH D008527, MONDO:0007959, OMIM 155255, HP:0002885.
Wilms tumor 1 (WT1). Also called: Wilms tumor, somatic. Identifiers: Orphanet 654, MedGen CN033288, MONDO:0008679, OMIM 194070.
Familial cancer of breast. Also called: BREAST CANCER, FAMILIAL; hereditary breast carcinoma; Hereditary breast cancer. Identifiers: Orphanet 227535, MedGen C0346153, MONDO:0016419, OMIM 114480. Disease mechanism: loss of function.
BRCA2-related disorder. Also called: BRCA2-related condition; BRCA2-related disorders. Identifiers: MedGen CN239275.
Breast and/or ovarian cancer. Identifiers: MedGen CN221562.
Hereditary cancer-predisposing syndrome. Also called: Neoplastic Syndromes, Hereditary; Tumor predisposition; Hereditary Cancer Syndrome; Hereditary neoplastic syndrome. Identifiers: Orphanet 140162, MedGen C0027672, MeSH D009386, MONDO:0015356.
Gastric cancer. Also called: Malignant tumor of stomach; Stomach cancer. Identifiers: MedGen C0024623, MeSH D013274, MONDO:0001056, OMIM 613659, HP:0012126.
Malignant tumor of breast. Also called: Cancer breast; Malignant breast neoplasm. Identifiers: MedGen C0006142, MONDO:0007254. Disease mechanism: loss of function.

Submissions 1 to 8 of 47:

Evidence-based Network for the Interpretation of Germline Mutant Alleles (ENIGMA)
Classification: Pathogenic for Breast-ovarian cancer, familial, susceptibility to, 2. Last evaluated: 2016-04-22. Review status: reviewed by expert panel. Criteria: ENIGMA BRCA1/2 Classification Criteria (2015). Collection method: curation. Allele origin: germline.
Comment: Variant allele predicted to encode a truncated non-functional protein.

PreventionGenetics, part of Exact Sciences
Classification: Pathogenic for BRCA2-related condition. Last evaluated: 2026-02-25. Review status: criteria provided, single submitter. Criteria: ACMG Guidelines, 2015. Collection method: clinical testing. Allele origin: germline. Not counted in ClinVar's aggregate classification.
Comment: The BRCA2 c.5576_5579delTTAA variant is predicted to result in a frameshift and premature protein termination (p.Ile1859Lysfs*3). This variant, also described as “c.5803delATTA and 5804del4” in the literature, has been documented in multiple individuals with sporadic/familial breast and/or ovarian cancers (Schneegans et al. 2012. PubMed ID: 22160602; George et al. 2013. PubMed ID: 23633455; Maistro et al. 2016. PubMed ID: 27914478; Zhao et al. 2017. PubMed ID: 28541631). This variant is reported in 0.0063% of alleles in individuals of African descent in gnomAD and is interpreted as pathogenic in ClinVar (Variation ID: 37975). Frameshift variants in BRCA2 are expected to be pathogenic. This variant is interpreted as pathogenic.

Genetics Laboratory, Great Ormond Street Hospital NHS Foundation Trust, North Thames Genomic Laboratory Hub
Classification: Pathogenic for Inherited breast cancer and ovarian cancer. Last evaluated: 2026-01-08. Review status: criteria provided, single submitter. Criteria: CanVIG BRCA Gene Specific V1.22. Collection method: clinical testing. Allele origin: germline. Affected: yes. Not counted in ClinVar's aggregate classification.
Comment: PS4_very-strong, PVS1_very-strong, PM5_strong

Center for Genomic Medicine, Rigshospitalet, Copenhagen University Hospital
Classification: Pathogenic. Last evaluated: 2025-12-29. Review status: criteria provided, single submitter. Criteria: ACMG Guidelines, 2015. Collection method: clinical testing. Allele origin: germline. Not counted in ClinVar's aggregate classification.
Comment: Classification criteria: PVS1, PM5_strong

Labcorp Genetics (formerly Invitae), Labcorp
Classification: Pathogenic for Hereditary breast ovarian cancer syndrome. Last evaluated: 2025-12-21. Review status: criteria provided, single submitter. Criteria: Invitae Variant Classification Sherloc (09022015). Collection method: clinical testing. Allele origin: germline. Not counted in ClinVar's aggregate classification.
Comment: This sequence change creates a premature translational stop signal (p.Ile1859Lysfs*3) in the BRCA2 gene. It is expected to result in an absent or disrupted protein product. Loss-of-function variants in BRCA2 are known to be pathogenic (PMID: 20104584). This variant is present in population databases (rs770318608, gnomAD 0.007%). This premature translational stop signal has been observed in individual(s) with breast and/or ovarian cancer (PMID: 8705994, 22160602, 22217648, 23633455, 23683081). This variant is also known as 5803delATTA, 5804del4, and 5574_5577delAATT. ClinVar contains an entry for this variant (Variation ID: 37975). For these reasons, this variant has been classified as Pathogenic.

Mayo Clinic Laboratories, Mayo Clinic
Classification: Pathogenic. Last evaluated: 2025-10-15. Review status: criteria provided, single submitter. Criteria: ACMG Guidelines, 2015. Collection method: clinical testing. Allele origin: germline. Observed: 2 variant alleles. Not counted in ClinVar's aggregate classification.
Comment: PM5_strong, PVS1

GeneKor MSA
Classification: Pathogenic for Hereditary breast ovarian cancer syndrome. Last evaluated: 2025-05-15. Review status: criteria provided, single submitter. Criteria: ACMG Guidelines, 2015. Collection method: clinical testing. Allele origin: germline. Not counted in ClinVar's aggregate classification.
Comment: This variant is a deletion of 4 nucleotides in exon 11 of the BRCA2 mRNA c.(5576_5579delTTAA), causing a frameshift after codon 1859 and the creation of a premature translation stop signal 3 amino acid residues later p.(Ile1859Lysfs*3). This is expected to result in an absent or disrupted protein product. Truncating variants in the BRCA2 gene are known to be pathogenic (PMID:20104584). This variant is present in population databases (rs80359520). This sequence change is also known as 5803delATTA, 5804del4, and 5574_5577delAATT and has been reported in individuals affected with breast and/or ovarian cancer (PMID:23633455, 8705994, 22160602, 22217648). ClinVar contains entries for this variant where is listed as pathogenic (VCV000037975.94). Based on the classification criteria set by the ACMG and AMP (PMID:25741868), this variant has been classified as pathogenic.

ARUP Laboratories, Molecular Genetics and Genomics, ARUP Laboratories
Classification: Pathogenic. Last evaluated: 2025-03-31. Review status: criteria provided, single submitter. Criteria: ARUP Molecular Germline Variant Investigation Process 2024. Collection method: clinical testing. Allele origin: germline. Not counted in ClinVar's aggregate classification.
Comment: The BRCA2 c.5576_5579delTTAA; p.Ile1859LysfsTer3 variant (rs80359520), also reported as 5802del4, 5803del4 and 5804del4, has been described in the literature in several individuals and families with breast and ovarian cancer (Foster 1996, George 2013, Schneegans 2012). This variant is reported as pathogenic by several sources in the ClinVar database (Variation ID: 37975) and is found in the general population with an overall allele frequency of 0.002% (4/244832 alleles) in the Genome Aggregation Database. This variant causes a frameshift by deleting four nucleotides, so it is predicted to result in a truncated protein or mRNA subject to nonsense-mediated decay. Based on available information this variant is considered pathogenic. References: Foster KA et al. Somatic and germline mutations of the BRCA2 gene in sporadic ovarian cancer. Cancer Res. 1996 56(16):3622-5. PMID: 8705994. George J et al. Nonequivalent gene expression and copy number alterations in high-grade serous ovarian cancers with BRCA1 and BRCA2 mutations. Clin Cancer Res. 2013 19(13):3474-84. PMID: 23633455. Schneegans SM et al. Validation of three BRCA1/2 mutation-carrier probability models Myriad, BRCAPRO and BOADICEA in a population-based series of 183 German families. Fam Cancer. 2012 11(2):181-8. PMID: 22160602.